The following is an entry in ClinVar:

NM_002474.3(MYH11):c.4578+1del

Genes: NDE1 (nudE neurodevelopment protein 1; plus strand), MYH11 (myosin heavy chain 11; minus strand). Cytogenetic location: 16p13.11.
Variant type: Deletion.
Coding change: c.4578+1del on transcript NM_002474.3 (MANE Select); the canonical splice donor site of the intron after coding-DNA position 4578, one base deleted (G; older notation c.4578+1delG).
Molecular consequence: splice donor variant. On other transcripts: intron variant (2).
Genome position (GRCh38, 1-based): chr16:15,721,421, C deleted on the plus strand (G on the coding strand, the reverse complement: MYH11 is on the minus strand). VCF-style (leftmost placement, unchanged base first): chr16-15721420-AC-A. GRCh37 (hg19) VCF-style: chr16-15815277-AC-A.
Other names: c.948-2770del (NM_001143979.2, NM_017668.3); c.4578+1del (NM_022844.3); c.4599+1del (NM_001040114.2, NM_001040113.2).
Identifiers: ClinVar variation 1804129 (VCV001804129.1), dbSNP rs2506126021, ClinGen allele CA2580090793.
Genomic context (GRCh38, chr16:15,721,420, plus strand): 5'-TGAATAGCACAGAGGGTGGGCAGGCGAAACATGGACGAGAAAAACCACCCAGAGCCACTT[AC>A]GTTCTTGCCCACGTCATCCTTGGAGCTGACCAGGTCTTCCATTTCGGCTTTGAGCATTTT-3'

ClinVar aggregate classification (germline): Likely pathogenic (1 of 4 stars; one submission).

Conditions:
Aortic aneurysm, familial thoracic 4 (AAT4). Also called: AORTIC ANEURYSM/AORTIC DISSECTION AND PATENT DUCTUS ARTERIOSUS. Identifiers: MedGen C1851504, MONDO:0007568, OMIM 132900.

Submission:

Institute of Human Genetics, University of Leipzig Medical Center
Classification: Likely pathogenic for Aortic aneurysm, familial thoracic 4. Last evaluated: 2022-11-22. Review status: criteria provided, single submitter. Criteria: ACMG Guidelines, 2015. Collection method: clinical testing. Allele origin: unknown. Affected: yes.
Comment: _x000D_ Criteria applied: PVS1_STR, PS4_SUP, PM2_SUP